The following is an entry in ClinVar:

NM_004304.5(ALK):c.1698G>T (p.Leu566Phe)

Gene: ALK (ALK receptor tyrosine kinase; minus strand). Cytogenetic location: 2p23.2.
Variant type: single nucleotide variant.
Coding change: c.1698G>T on transcript NM_004304.5 (MANE Select); coding-DNA position 1698, G replaced by T.
Protein change: p.Leu566Phe; replaces leucine 566 with phenylalanine.
Molecular consequence: missense variant.
Genome position (GRCh38, 1-based): chr2:29,297,007, C>A on the plus strand (G>T on the coding strand, the complement: ALK is on the minus strand). VCF-style: chr2-29297007-C-A. GRCh37 (hg19) VCF-style: chr2-29519873-C-A.
Other names: short protein forms L566F.
Identifiers: ClinVar variation 2566554 (VCV002566554.2), dbSNP rs1558658399, ClinGen allele CA346466449.
Genomic context (GRCh38, chr2:29,297,007, plus strand): 5'-GGCGGCGACATGCCAGACCATCCTGCCTTGCTCCTTCCCGGTTTTGTTCTCCACTAGCAC[C>A]AAGGACACGTTTCCCCTCAAGACTCCACGAATGAGCCAGGACATTCGGAGCTGTGAGGGC-3'
Protein context (NP_004295.2, residues 556-576): IRGVLRGNVS[Leu566Phe]VLVENKTGKE

ClinVar aggregate classification (germline): Uncertain significance (1 of 4 stars; one submission).

Conditions:
Hereditary cancer-predisposing syndrome. Also called: Neoplastic Syndromes, Hereditary; Hereditary Cancer Syndrome; Hereditary neoplastic syndrome; Tumor predisposition. Identifiers: Orphanet 140162, MedGen C0027672, MeSH D009386, MONDO:0015356.

Submission:

Ambry Genetics
Classification: Uncertain significance for Hereditary cancer-predisposing syndrome. Last evaluated: 2023-03-18. Review status: criteria provided, single submitter. Criteria: Ambry Variant Classification Scheme 2023. Collection method: clinical testing. Allele origin: germline.
Comment: The p.L566F variant (also known as c.1698G>T), located in coding exon 9 of the ALK gene, results from a G to T substitution at nucleotide position 1698. The leucine at codon 566 is replaced by phenylalanine, an amino acid with highly similar properties. This amino acid position is conserved. In addition, this alteration is predicted to be tolerated by in silico analysis. Since supporting evidence is limited at this time, the clinical significance of this alteration remains unclear.